The following is an entry in ClinVar:

ClinVar aggregate classification (germline): Benign/Likely benign. Review status: criteria provided, multiple submitters, no conflicts (2 of 4 stars). 4 submissions from 4 submitters: Benign (1); Likely benign (2). 1 of the submissions does not count toward it. Last evaluated 2026-02-16.

Conditions:
Tip-toe gait. Also called: Toe walking. Identifiers: MedGen C0427144, HP:0030051.
KMT2C-related disorder. Also called: KMT2C-related condition; KMT2C-related disorders.
Inborn genetic diseases. Identifiers: MedGen C0950123, MeSH D030342.

Allele frequency attached by ClinVar (database versions not stated): gnomAD 0.00009 and 0.00010; TOPMed 0.00009; ExAC 0.00016; gnomAD exomes 0.00016 and 0.00019.
gnomAD v4.1: 290 of 1,614,026 alleles (0.018%); highest among the groups gnomAD compares: South Asian, 0.081%; no homozygotes.

Submissions (4):

PreventionGenetics, part of Exact Sciences
Classification: Likely benign for KMT2C-related condition. Last evaluated: 2026-02-16. Review status: criteria provided, single submitter. Criteria: ACMG Guidelines, 2015. Collection method: clinical testing. Allele origin: germline.
Comment: This variant is classified as likely benign based on ACMG/AMP sequence variant interpretation guidelines (Richards et al. 2015 PMID: 25741868, with internal and published modifications).

Labcorp Genetics (formerly Invitae), Labcorp
Classification: Benign. Last evaluated: 2023-09-22. Review status: criteria provided, single submitter. Criteria: Invitae Variant Classification Sherloc (09022015). Collection method: clinical testing. Allele origin: germline.

Ambry Genetics
Classification: Likely benign for Inborn genetic diseases. Last evaluated: 2021-08-10. Review status: criteria provided, single submitter. Criteria: Ambry Variant Classification Scheme 2023. Collection method: clinical testing. Allele origin: germline.

Practice for Gait Abnormalities, David Pomarino, Competency Network Toe Walking C/o Practice Pomarino
Classification: Likely pathogenic for Tip-toe gait. Review status: no assertion criteria provided. Collection method: clinical testing. Allele origin: germline. Affected: yes. Not counted in ClinVar's aggregate classification.
Comment: Hereditary motor sensory neuropathy (HMSN), also known as Charcot-Marie-Tooth Disease (CMT), is the most commonly inherited peripheral polyneuropathy. It constitutes a group of inherited, progressive, motor and sensory peripheral nerve disorders with properties of demyelination, axonal degeneration, or both. It is classified by clinical characteristics, modes of inheritance, electrophysiologic features, metabolic defects, and specific gene markers. Our patients all walk on tiptoe, so they show similar symptoms. When we genetically test them with our toe walking panel, we find that around 90 per cent of them have a genetic variant that explains their toe walking. These can be assigned, for example, to the area of myopathies (such as variants of the COL6A3 gene), the area of hereditary neuropathies (such as variants of the KMT2C gene) or the area of metabolic diseases (such as variants of the PYGM gene). In a smaller group of patients with almost identical symptoms, no abnormality is found in the genes of our panel, but spastic paraplegia can be detected. In another small group of our toe walkers, no abnormalities can be detected in the genes analysed in our toe walking panel, nor do they suffer from spastic paraplegia, as is also the case with healthy children. In contrast to these, however, they show a tiptoe gait. These patients suffer from infantile cerebral palsy, in which toe walking can also be observed.

Literature cited by the submitters: PubMed 37091313 (cited by Practice for Gait Abnormalities, David Pomarino, Competency Network Toe Walking C/o Practice Pomarino).

NM_170606.3(KMT2C):c.12433C>T (p.Arg4145Cys)

Gene: KMT2C (lysine methyltransferase 2C; minus strand). Cytogenetic location: 7q36.1.
Variant type: single nucleotide variant.
Coding change: c.12433C>T on transcript NM_170606.3 (MANE Select); coding-DNA position 12433, C replaced by T.
Protein change: p.Arg4145Cys; replaces arginine 4145 with cysteine.
Molecular consequence: missense variant.
Genome position (GRCh38, 1-based): chr7:152,152,798, G>A on the plus strand (C>T on the coding strand, the complement: KMT2C is on the minus strand). VCF-style: chr7-152152798-G-A. GRCh37 (hg19) VCF-style: chr7-151849883-G-A.
Other names: c.12433C>T (NM_170606.2); short protein forms R4145C.
Identifiers: ClinVar variation 1679941 (VCV001679941.12), dbSNP rs201100798, ClinGen allele CA4578804.